The following is an entry in ClinVar:

NM_000632.4(ITGAM):c.2060C>T (p.Ser687Phe)

Gene: ITGAM (integrin subunit alpha M; plus strand). Cytogenetic location: 16p11.2.
Variant type: single nucleotide variant.
Coding change: c.2060C>T on transcript NM_000632.4 (MANE Select); coding-DNA position 2060, C replaced by T.
Protein change: p.Ser687Phe; replaces serine 687 with phenylalanine.
Molecular consequence: missense variant.
Genome position (GRCh38, 1-based): chr16:31,324,456, C>T. VCF-style: chr16-31324456-C-T. GRCh37 (hg19) VCF-style: chr16-31335777-C-T.
Other names: c.2063C>T, p.Ser688Phe (NM_001145808.2); short protein forms S687F, S688F.
Identifiers: ClinVar variation 3009424 (VCV003009424.3), dbSNP rs778951144, ClinGen allele CA8025719.

ClinVar aggregate classification (germline): Uncertain significance (1 of 4 stars; one submission).

Allele frequency attached by ClinVar (database versions not stated): TOPMed below 0.00001; gnomAD exomes 0.00001; ExAC 0.00004.
gnomAD v4.1: 14 of 1,561,696 alleles (0.0009%); highest among the groups gnomAD compares: Admixed American, 0.0019%; no homozygotes.

Submission:

Labcorp Genetics (formerly Invitae), Labcorp
Classification: Uncertain significance. Last evaluated: 2023-10-20. Review status: criteria provided, single submitter. Criteria: Invitae Variant Classification Sherloc (09022015). Collection method: clinical testing. Allele origin: germline.
Comment: This sequence change replaces serine, which is neutral and polar, with phenylalanine, which is neutral and non-polar, at codon 687 of the ITGAM protein (p.Ser687Phe). This variant is present in population databases (rs778951144, gnomAD 0.001%). This variant has not been reported in the literature in individuals affected with ITGAM-related conditions. An algorithm developed to predict the effect of missense changes on protein structure and function (PolyPhen-2) suggests that this variant is likely to be disruptive. In summary, the available evidence is currently insufficient to determine the role of this variant in disease. Therefore, it has been classified as a Variant of Uncertain Significance.